The following is an entry in ClinVar:

NM_021098.3(CACNA1H):c.4969A>G (p.Thr1657Ala)

Gene: CACNA1H (calcium voltage-gated channel subunit alpha1 H; plus strand). Cytogenetic location: 16p13.3.
Variant type: single nucleotide variant.
Coding change: c.4969A>G on transcript NM_021098.3 (MANE Select); coding-DNA position 4969, A replaced by G.
Protein change: p.Thr1657Ala; replaces threonine 1657 with alanine.
Molecular consequence: missense variant.
Genome position (GRCh38, 1-based): chr16:1,215,011, A>G. VCF-style: chr16-1215011-A-G. GRCh37 (hg19) VCF-style: chr16-1265011-A-G.
Other names: c.4951A>G, p.Thr1651Ala (NM_001005407.2); short protein forms T1651A, T1657A.
Identifiers: ClinVar variation 3748290 (VCV003748290.2).

ClinVar aggregate classification (germline): Uncertain significance (1 of 4 stars; one submission).

Conditions:
Idiopathic generalized epilepsy. Also called: Generalised epilepsy; EIG. Identifiers: MedGen C0270850, MONDO:0005579, OMIM 600669.
Hyperaldosteronism, familial, type IV (HALD4). Also called: FH IV; ALDOSTERONISM, PRIMARY, AND HYPERTENSION. Identifiers: Orphanet 642671, MedGen C4310756, MONDO:0014875, OMIM 617027.

Submission:

Labcorp Genetics (formerly Invitae), Labcorp
Classification: Uncertain significance for Idiopathic generalized epilepsy; Hyperaldosteronism, familial, type IV. Last evaluated: 2024-12-05. Review status: criteria provided, single submitter. Criteria: Invitae Variant Classification Sherloc (09022015). Collection method: clinical testing. Allele origin: germline.
Comment: This sequence change replaces threonine, which is neutral and polar, with alanine, which is neutral and non-polar, at codon 1657 of the CACNA1H protein (p.Thr1657Ala). This variant is not present in population databases (gnomAD no frequency). This variant has not been reported in the literature in individuals affected with CACNA1H-related conditions. Invitae Evidence Modeling of protein sequence and biophysical properties (such as structural, functional, and spatial information, amino acid conservation, physicochemical variation, residue mobility, and thermodynamic stability) indicates that this missense variant is expected to disrupt CACNA1H protein function with a positive predictive value of 80%. In summary, the available evidence is currently insufficient to determine the role of this variant in disease. Therefore, it has been classified as a Variant of Uncertain Significance.